The following is an entry in ClinVar:

NM_007294.4(BRCA1):c.1932T>G (p.Cys644Trp)

Gene: BRCA1 (BRCA1 DNA repair associated; minus strand). Cytogenetic location: 17q21.31.
Variant type: single nucleotide variant.
Coding change: c.1932T>G on transcript NM_007294.4 (MANE Select); coding-DNA position 1932, T replaced by G.
Protein change: p.Cys644Trp; replaces cysteine 644 with tryptophan.
Molecular consequence: missense variant. On other transcripts: intron variant (137).
Genome position (GRCh38, 1-based): chr17:43,093,599, A>C on the plus strand (T>G on the coding strand, the complement: BRCA1 is on the minus strand). VCF-style: chr17-43093599-A-C. GRCh37 (hg19) VCF-style: chr17-41245616-A-C.
Other names: c.1719T>G, p.Cys573Trp (NM_001407571.1, NM_001407853.1, NM_001407894.1 and 9 more transcripts); c.1932T>G, p.Cys644Trp (NM_001407581.1, NM_001407582.1, NM_001407583.1 and 30 more transcripts); c.1929T>G, p.Cys643Trp (NM_001407587.1, NM_001407590.1, NM_001407591.1 and 22 more transcripts); c.1923T>G, p.Cys641Trp (NM_001407646.1, NM_001407647.1); c.1809T>G, p.Cys603Trp (NM_001407648.1, NM_001407664.1, NM_001407665.1 and 19 more transcripts); c.1806T>G, p.Cys602Trp (NM_001407649.1, NM_001407670.1, NM_001407671.1 and 11 more transcripts); c.1854T>G, p.Cys618Trp (NM_001407653.1, NM_001407654.1, NM_001407655.1 and 4 more transcripts); c.1851T>G, p.Cys617Trp (NM_001407659.1, NM_001407660.1, NM_001407661.1 and 1 more transcripts); and 40 more; short protein forms C644W, C597W, C517W, C555W, C602W, C617W, C348W, C533W.
Identifiers: ClinVar variation 54403 (VCV000054403.4), dbSNP rs397508918, ClinGen allele CA001279.

ClinVar aggregate classification (germline): Likely benign. Review status: criteria provided, single submitter (1 of 4 stars). 2 submissions from 2 submitters: Likely benign (1). 1 of the submissions does not count toward it. Last evaluated 2023-03-23.

Conditions:
Familial cancer of breast. Also called: BREAST CANCER, FAMILIAL; Hereditary breast cancer; hereditary breast carcinoma. Identifiers: Orphanet 227535, MedGen C0346153, MONDO:0016419, OMIM 114480. Disease mechanism: loss of function.
Hereditary cancer-predisposing syndrome. Also called: Neoplastic Syndromes, Hereditary; Tumor predisposition; Hereditary Cancer Syndrome; Hereditary neoplastic syndrome. Identifiers: Orphanet 140162, MedGen C0027672, MeSH D009386, MONDO:0015356.

Submissions (2):

University of Washington Department of Laboratory Medicine, University of Washington
Classification: Likely benign for Hereditary cancer-predisposing syndrome. Last evaluated: 2023-03-23. Review status: criteria provided, single submitter. Criteria: Dines et al. (Genet Med. 2020). Collection method: curation. Allele origin: germline.
Comment: Missense variant in a coldspot region where missense variants are very unlikely to be pathogenic (PMID:31911673).

BRCA1 coldspot (exon 11 using historical exon numbering). Reclassification based on statistical prior probability

ClinVar Staff, National Center for Biotechnology Information (NCBI)
No classification provided. Condition: Familial cancer of breast. Review status: no classification provided. Collection method: literature only. Allele origin: germline. Affected: yes. Not counted in ClinVar's aggregate classification.

Literature cited by the submitters: PubMed 12894890 (cited by ClinVar Staff, National Center for Biotechnology Information (NCBI)).